The following is an entry in ClinVar:

ClinVar aggregate classification (germline): Uncertain significance. Review status: criteria provided, multiple submitters, no conflicts (2 of 4 stars). 3 submissions from 3 submitters: Uncertain significance (3). Last evaluated 2023-10-18.

Conditions:
Dilated cardiomyopathy 1AA (CMD1AA). Also called: CARDIOMYOPATHY, DILATED, 1AA, WITH OR WITHOUT LEFT VENTRICULAR NONCOMPACTION; CARDIOMYOPATHY, FAMILIAL HYPERTROPHIC, 23, WITH OR WITHOUT LEFT VENTRICULAR NONCOMPACTION; Cardiomyopathy, dilated, 1AA, with or without LVNC. Identifiers: Orphanet 154, MedGen C2677338, MONDO:0012808, OMIM 612158.
Primary familial hypertrophic cardiomyopathy (HCM). Identifiers: Orphanet 99739, MedGen C0949658, MeSH D024741, MONDO:0024573. Inheritance: Various modes of inheritance.
Cardiovascular phenotype. Identifiers: MedGen CN230736.

Allele frequency attached by ClinVar (database versions not stated): gnomAD exomes below 0.00001; gnomAD 0.00001.
gnomAD v4.1: 6 of 1,613,994 alleles (0.00037%); highest among the groups gnomAD compares: East Asian, 0.0089%; no homozygotes.

Submissions (3):

Labcorp Genetics (formerly Invitae), Labcorp
Classification: Uncertain significance for Primary familial hypertrophic cardiomyopathy; Dilated cardiomyopathy 1AA. Last evaluated: 2023-10-18. Review status: criteria provided, single submitter. Criteria: Invitae Variant Classification Sherloc (09022015). Collection method: clinical testing. Allele origin: germline.
Comment: This sequence change replaces alanine, which is neutral and non-polar, with threonine, which is neutral and polar, at codon 705 of the ACTN2 protein (p.Ala705Thr). This variant is not present in population databases (gnomAD no frequency). This missense change has been observed in individual(s) with eccentric left ventricular hypertrophy (PMID: 28123168). ClinVar contains an entry for this variant (Variation ID: 944333). Advanced modeling of protein sequence and biophysical properties (such as structural, functional, and spatial information, amino acid conservation, physicochemical variation, residue mobility, and thermodynamic stability) has been performed at Invitae for this missense variant, however the output from this modeling did not meet the statistical confidence thresholds required to predict the impact of this variant on ACTN2 protein function. In summary, the available evidence is currently insufficient to determine the role of this variant in disease. Therefore, it has been classified as a Variant of Uncertain Significance.

Women's Health and Genetics/Laboratory Corporation of America, LabCorp
Classification: Uncertain significance. Last evaluated: 2023-06-12. Review status: criteria provided, single submitter. Criteria: LabCorp Variant Classification Summary - May 2015. Collection method: clinical testing. Allele origin: germline.
Comment: Variant summary: ACTN2 c.2113G>A (p.Ala705Thr) results in a non-conservative amino acid change in the encoded protein sequence. Three of five in-silico tools predict a damaging effect of the variant on protein function. The variant was absent in 251280 control chromosomes (gnomAD). The available data on variant occurrences in the general population are insufficient to allow any conclusion about variant significance. c.2113G>A has been reported in the literature in an individual affected with left ventricular hypertrophy without a description of their family history or demonstration of cosegregation with disease (Higashi_2017). This report does not provide unequivocal conclusions about association of the variant with Cardiomyopathy. To our knowledge, no experimental evidence demonstrating an impact on protein function has been reported. The following publication has been ascertained in the context of this evaluation (PMID: 28123168). One clinical diagnostic laboratory has submitted a clinical-significance assessment for this variant to ClinVar after 2014, and classified it as uncertain significance. Based on the evidence outlined above, the variant was classified as uncertain significance.

Ambry Genetics
Classification: Uncertain significance for Cardiovascular phenotype. Last evaluated: 2023-03-31. Review status: criteria provided, single submitter. Criteria: Ambry Variant Classification Scheme 2023. Collection method: clinical testing. Allele origin: germline.
Comment: The p.A705T variant (also known as c.2113G>A), located in coding exon 17 of the ACTN2 gene, results from a G to A substitution at nucleotide position 2113. The alanine at codon 705 is replaced by threonine, an amino acid with similar properties. This variant co-occurred with an RYR2 variant in a case presenting with heart failure, reduced EF, eccentric LV hypertrophy, severe aortic stenosis and unicuspid aortic valve (Higashi H et al. Circ J, 2017 May;81:895-897). This amino acid position is well conserved in available vertebrate species. In addition, this alteration is predicted to be tolerated by in silico analysis. Since supporting evidence is limited at this time, the clinical significance of this alteration remains unclear.

Literature cited by the submitters: PubMed 28123168 (cited by 3 submitters); PubMed 29760345 (cited by Ambry Genetics).

NM_001103.4(ACTN2):c.2113G>A (p.Ala705Thr)

Gene: ACTN2 (actinin alpha 2; plus strand). Cytogenetic location: 1q43.
Variant type: single nucleotide variant.
Coding change: c.2113G>A on transcript NM_001103.4 (MANE Select); coding-DNA position 2113, G replaced by A.
Protein change: p.Ala705Thr; replaces alanine 705 with threonine.
Molecular consequence: missense variant.
Genome position (GRCh38, 1-based): chr1:236,755,157, G>A. VCF-style: chr1-236755157-G-A. GRCh37 (hg19) VCF-style: chr1-236918457-G-A.
Other names: c.2113G>A (NM_001103.2); c.2113G>A, p.Ala705Thr (NM_001278343.2); c.1489G>A, p.Ala497Thr (NM_001278344.2); short protein forms A497T, A705T.
Identifiers: ClinVar variation 944333 (VCV000944333.9), dbSNP rs1659517244, ClinGen allele CA345387694.